The following is an entry in ClinVar:

NM_016151.4(TAOK2):c.463G>A (p.Gly155Arg)

Gene: TAOK2 (TAO kinase 2; plus strand). Cytogenetic location: 16p11.2.
Variant type: single nucleotide variant.
Coding change: c.463G>A on transcript NM_016151.4 (MANE Select); coding-DNA position 463, G replaced by A.
Protein change: p.Gly155Arg; replaces glycine 155 with arginine.
Molecular consequence: missense variant.
Genome position (GRCh38, 1-based): chr16:29,979,208, G>A. VCF-style: chr16-29979208-G-A. GRCh37 (hg19) VCF-style: chr16-29990529-G-A.
Other names: c.463G>A, p.Gly155Arg (NM_001252043.2, NM_004783.4); short protein forms G155R.
Identifiers: ClinVar variation 2102347 (VCV002102347.4), dbSNP rs2543610696, ClinGen allele CA395472038.

ClinVar aggregate classification (germline): Uncertain significance (1 of 4 stars; one submission).

Submission:

Labcorp Genetics (formerly Invitae), Labcorp
Classification: Uncertain significance. Last evaluated: 2022-02-23. Review status: criteria provided, single submitter. Criteria: Invitae Variant Classification Sherloc (09022015). Collection method: clinical testing. Allele origin: germline.
Comment: This sequence change replaces glycine, which is neutral and non-polar, with arginine, which is basic and polar, at codon 155 of the TAOK2 protein (p.Gly155Arg). In summary, the available evidence is currently insufficient to determine the role of this variant in disease. Therefore, it has been classified as a Variant of Uncertain Significance. Algorithms developed to predict the effect of missense changes on protein structure and function (SIFT, PolyPhen-2, Align-GVGD) all suggest that this variant is likely to be disruptive. This variant has not been reported in the literature in individuals affected with TAOK2-related conditions. This variant is not present in population databases (gnomAD no frequency).